The following is an entry in ClinVar:

ClinVar aggregate classification (germline): Likely benign (1 of 4 stars; one submission).

Submission:

GeneDx
Classification: Likely benign. Last evaluated: 2017-12-27. Review status: criteria provided, single submitter. Criteria: GeneDx Variant Classification (06012015). Collection method: clinical testing. Allele origin: germline. Affected: yes.
Comment: This variant is considered likely benign or benign based on one or more of the following criteria: it is a conservative change, it occurs at a poorly conserved position in the protein, it is predicted to be benign by multiple in silico algorithms, and/or has population frequency not consistent with disease.

NM_001164508.2(NEB):c.13583A>C (p.Gln4528Pro)

Gene: NEB (nebulin; minus strand). Cytogenetic location: 2q23.3.
Variant type: single nucleotide variant.
Coding change: c.13583A>C on transcript NM_001164508.2 (MANE Select); coding-DNA position 13583, A replaced by C.
Protein change: p.Gln4528Pro; replaces glutamine 4528 with proline.
Molecular consequence: missense variant. On other transcripts: intron variant (1).
Genome position (GRCh38, 1-based): chr2:151,600,647, T>G on the plus strand (A>C on the coding strand, the complement: NEB is on the minus strand). VCF-style: chr2-151600647-T-G. GRCh37 (hg19) VCF-style: chr2-152457161-T-G.
Other names: c.13583A>C, p.Gln4528Pro (NM_001164507.2, NM_001271208.2); c.11601+9162A>C (NM_004543.5); short protein forms Q4528P.
Identifiers: ClinVar variation 514306 (VCV000514306.1), dbSNP rs1553862590, ClinGen allele CA348768845.
Genomic context (GRCh38, chr2:151,600,647, plus strand): 5'-ACAGGGATGGAGATCTTGGCTTTGTGGTCGTTGTAGGCCTTTTTGTACAGCCTGTCATTC[T>G]GCATCTTCAACACATTTGCTGCCCAAACCAGTTTAGGGTCTTCCTTGGCGCTGCGACAGC-3'
Protein context (NP_001157980.2, residues 4518-4538): LVWAANVLKM[Gln4528Pro]NDRLYKKAYN